The following is an entry in ClinVar:

NM_022367.4(SEMA4A):c.83C>T (p.Thr28Met)

Gene: SEMA4A (semaphorin 4A; plus strand). Cytogenetic location: 1q22.
Variant type: single nucleotide variant.
Coding change: c.83C>T on transcript NM_022367.4 (MANE Select); coding-DNA position 83, C replaced by T.
Protein change: p.Thr28Met; replaces threonine 28 with methionine.
Molecular consequence: missense variant. On other transcripts: 5 prime UTR variant (1), intron variant (3).
Genome position (GRCh38, 1-based): chr1:156,154,661, C>T. VCF-style: chr1-156154661-C-T. GRCh37 (hg19) VCF-style: chr1-156124452-C-T.
Other names: c.83C>T (NM_022367.3); c.83C>T, p.Thr28Met (NM_001193300.2, NM_001193301.2, NM_001370567.1); c.-442C>T (NM_001370571.1); c.-385-1753C>T (NM_001370569.1); c.-158-1753C>T (NM_001370568.1); c.-159+897C>T (NM_001193302.2); short protein forms T28M.
Identifiers: ClinVar variation 1441368 (VCV001441368.7), dbSNP rs369653609, ClinGen allele CA1154895.

ClinVar aggregate classification (germline): Uncertain significance. Review status: criteria provided, multiple submitters, no conflicts (2 of 4 stars). 2 submissions from 2 submitters: Uncertain significance (2). Last evaluated 2025-05-24.

Allele frequency attached by ClinVar (database versions not stated): gnomAD 0.00001; gnomAD exomes 0.00002; ExAC 0.00003; TOPMed 0.00003; ESP Exome Variant Server 0.00008.
gnomAD v4.1: 15 of 1,604,244 alleles (0.00094%); highest among the groups gnomAD compares: African/African-American, 0.0013%; no homozygotes.

Submissions (2):

Ambry Genetics
Classification: Uncertain significance. Last evaluated: 2025-05-24. Review status: criteria provided, single submitter. Criteria: Ambry Variant Classification Scheme 2023. Collection method: clinical testing. Allele origin: germline.

Labcorp Genetics (formerly Invitae), Labcorp
Classification: Uncertain significance. Last evaluated: 2024-08-29. Review status: criteria provided, single submitter. Criteria: Invitae Variant Classification Sherloc (09022015). Collection method: clinical testing. Allele origin: germline.
Comment: This sequence change replaces threonine, which is neutral and polar, with methionine, which is neutral and non-polar, at codon 28 of the SEMA4A protein (p.Thr28Met). This variant is present in population databases (rs369653609, gnomAD 0.008%). This variant has not been reported in the literature in individuals affected with SEMA4A-related conditions. ClinVar contains an entry for this variant (Variation ID: 1441368). An algorithm developed to predict the effect of missense changes on protein structure and function (PolyPhen-2) suggests that this variant is likely to be tolerated. In summary, the available evidence is currently insufficient to determine the role of this variant in disease. Therefore, it has been classified as a Variant of Uncertain Significance.